The following is an entry in ClinVar:

NM_015443.4(KANSL1):c.103G>A (p.Glu35Lys)

Gene: KANSL1 (KAT8 regulatory NSL complex subunit 1). Cytogenetic location: 17q21.31.
Variant type: single nucleotide variant.
Coding change: c.103G>A on transcript NM_015443.4 (MANE Select); coding-DNA position 103, G replaced by A.
Protein change: p.Glu35Lys; replaces glutamic acid 35 with lysine.
Molecular consequence: missense variant.
Genome position (GRCh38, 1-based): chr17:46,172,041, C>T on the plus strand (G>A on the coding strand, the complement: KANSL1 is on the minus strand). VCF-style: chr17-46172041-C-T. GRCh37 (hg19) VCF-style: chr17-44249407-C-T.
Other names: c.103G>A, p.Glu35Lys (NM_001193465.2, NM_001193466.2, NM_001379198.1); short protein forms E35K.
Identifiers: ClinVar variation 514231 (VCV000514231.12), dbSNP rs369793673, ClinGen allele CA8619111.

ClinVar aggregate classification (germline): Conflicting classifications of pathogenicity. Review status: criteria provided, conflicting classifications (1 of 4 stars). 2 submissions from 2 submitters: Uncertain significance (1); Likely benign (1). Last evaluated 2022-11-08.

Conditions:
Koolen-de Vries syndrome (KDVS). Identifiers: Orphanet 96169, MedGen C1864871, MONDO:0012496, OMIM 610443.

Allele frequency attached by ClinVar (database versions not stated): ExAC 0.00001; gnomAD exomes 0.00001; ESP Exome Variant Server 0.00008; 1000 Genomes Project 0.00020; 1000 Genomes Project 30x 0.00031.
gnomAD v4.1: 40 of 1,614,208 alleles (0.0025%); highest among the groups gnomAD compares: Admixed American, 0.0033%; no homozygotes.

Submissions (2):

Labcorp Genetics (formerly Invitae), Labcorp
Classification: Uncertain significance for Koolen-de Vries syndrome. Last evaluated: 2022-11-08. Review status: criteria provided, single submitter. Criteria: Invitae Variant Classification Sherloc (09022015). Collection method: clinical testing. Allele origin: germline.
Comment: Advanced modeling of protein sequence and biophysical properties (such as structural, functional, and spatial information, amino acid conservation, physicochemical variation, residue mobility, and thermodynamic stability) performed at Invitae indicates that this missense variant is not expected to disrupt KANSL1 protein function. Until the location of this sequence change can be resolved, the clinical significance of this variant remains uncertain. It has been classified as a Variant of Uncertain Significance. ClinVar contains an entry for this variant (Variation ID: 514231). This variant has not been reported in the literature in individuals with KANSL1-related conditions. The frequency data for this variant in the population databases (gnomAD) is considered unreliable due to the presence of homologous sequence, such as pseudogenes or paralogs, in the genome. This sequence change replaces glutamic acid, which is acidic and polar, with lysine, which is basic and polar, at codon 35 of the KANSL1 protein (p.Glu35Lys). Due to the possible presence of a polymorphic segmental duplication, the location of the variant could not be unambiguously resolved. Variants with ambiguous mapping are still reported relative to the KANSL1 transcript.

GeneDx
Classification: Likely benign. Last evaluated: 2017-12-27. Review status: criteria provided, single submitter. Criteria: GeneDx Variant Classification (06012015). Collection method: clinical testing. Allele origin: germline. Affected: yes.
Comment: This variant is considered likely benign or benign based on one or more of the following criteria: it is a conservative change, it occurs at a poorly conserved position in the protein, it is predicted to be benign by multiple in silico algorithms, and/or has population frequency not consistent with disease.